The following is an entry in ClinVar:

ClinVar aggregate classification (germline): Pathogenic. Review status: criteria provided, multiple submitters, no conflicts (2 of 4 stars). 2 submissions from 2 submitters: Pathogenic (2). Last evaluated 2024-07-31.

Conditions:
NF1-related disorder. Also called: NF1-related condition. Identifiers: MedGen CN379171.
Neurofibromatosis, type 1 (NF1). Also called: VON RECKLINGHAUSEN DISEASE; Peripheral type neurofibromatosis; Neurofibromatosis, type I; NEUROFIBROMATOSIS, TYPE I, SOMATIC. Identifiers: Orphanet 636, MedGen C0027831, MONDO:0018975, OMIM 162200. Disease mechanism: loss of function.

Submissions (2):

Labcorp Genetics (formerly Invitae), Labcorp
Classification: Pathogenic for Neurofibromatosis, type 1. Last evaluated: 2024-07-31. Review status: criteria provided, single submitter. Criteria: Invitae Variant Classification Sherloc (09022015). Collection method: clinical testing. Allele origin: germline.
Comment: This sequence change affects an acceptor splice site in intron 42 of the NF1 gene. RNA analysis indicates that disruption of this splice site induces altered splicing and may result in an absent or altered protein product. This variant is not present in population databases (gnomAD no frequency). Disruption of this splice site has been observed in individual(s) with neurofibromatosis type 1 (Invitae). ClinVar contains an entry for this variant (Variation ID: 1070318). Studies have shown that disruption of this splice site results in skipping of exon 43, and produces a non-functional protein and/or introduces a premature termination codon (PMID: 23913538). For these reasons, this variant has been classified as Pathogenic.

Blueprint Genetics
Classification: Pathogenic for NF1-related disorders. Last evaluated: 2023-09-28. Review status: criteria provided, single submitter. Criteria: ACMG Guidelines, 2015. Collection method: clinical testing. Allele origin: germline. Affected: yes. Observed: 1 variant allele.

Literature cited by the submitters: PubMed 23913538 (cited by Labcorp Genetics (formerly Invitae), Labcorp).

NM_001042492.3(NF1):c.6643-2A>C

Gene: NF1 (neurofibromin 1; plus strand). Cytogenetic location: 17q11.2.
Variant type: single nucleotide variant.
Coding change: c.6643-2A>C on transcript NM_001042492.3 (MANE Select); the canonical splice acceptor site of the intron before coding-DNA position 6643, A replaced by C.
Molecular consequence: splice acceptor variant.
Genome position (GRCh38, 1-based): chr17:31,337,817, A>C. VCF-style: chr17-31337817-A-C. GRCh37 (hg19) VCF-style: chr17-29664835-A-C.
Other names: c.6580-2A>C (NM_000267.4).
Identifiers: ClinVar variation 1070318 (VCV001070318.6), dbSNP rs1597844547, ClinGen allele CA399013641.